The following is an entry in ClinVar:

ClinVar aggregate classification (germline): Uncertain significance. Review status: criteria provided, multiple submitters, no conflicts (2 of 4 stars). 5 submissions from 4 submitters: Uncertain significance (5). Last evaluated 2023-11-04.

Conditions:
Usher syndrome type 2A. Also called: RETINAL DISEASE IN USHER SYNDROME TYPE IIA, MODIFIER OF; USHER SYNDROME, TYPE IIA. Identifiers: Orphanet 231178, Orphanet 886, MedGen C1848634, MONDO:0010169, OMIM 276901.
Retinitis pigmentosa 39 (RP39). Identifiers: Orphanet 791, MedGen C3151138, MONDO:0013436, OMIM 613809.
Retinal dystrophy. Also called: Inherited retinal dystrophy. Identifiers: Orphanet 71862, MedGen C0854723, MeSH D058499, MONDO:0019118, HP:0000556.

Allele frequency attached by ClinVar (database versions not stated): gnomAD 0.00001 and 0.00002; gnomAD exomes 0.00001 and 0.00004; TOPMed 0.00002; ExAC 0.00003; 1000 Genomes Project 30x 0.00016; 1000 Genomes Project 0.00020.
gnomAD v4.1: 18 of 1,614,132 alleles (0.0011%); highest among the groups gnomAD compares: East Asian, 0.038%; 1 homozygote.

Submissions (5):

Genome-Nilou Lab
Classification: Uncertain significance for Retinitis pigmentosa 39. Last evaluated: 2023-11-04. Review status: criteria provided, single submitter. Criteria: ACMG Guidelines, 2015. Collection method: clinical testing. Allele origin: germline. Affected: no.

Genome-Nilou Lab
Classification: Uncertain significance for Usher syndrome type 2A. Last evaluated: 2023-11-04. Review status: criteria provided, single submitter. Criteria: ACMG Guidelines, 2015. Collection method: clinical testing. Allele origin: germline. Affected: no.

Dept Of Ophthalmology, Nagoya University
Classification: Uncertain significance for Retinal dystrophy. Last evaluated: 2023-10-01. Review status: criteria provided, single submitter. Criteria: Submitter's publication. Collection method: research. Allele origin: germline. Affected: yes.

GeneDx
Classification: Uncertain significance. Last evaluated: 2022-12-01. Review status: criteria provided, single submitter. Criteria: GeneDx Variant Classification Process June 2021. Collection method: clinical testing. Allele origin: germline. Affected: yes.
Comment: In silico analysis, which includes protein predictors and evolutionary conservation, supports that this variant does not alter protein structure/function; This variant is associated with the following publications: (PMID: 33111992, 32675063)

Labcorp Genetics (formerly Invitae), Labcorp
Classification: Uncertain significance. Last evaluated: 2021-12-25. Review status: criteria provided, single submitter. Criteria: Invitae Variant Classification Sherloc (09022015). Collection method: clinical testing. Allele origin: germline.
Comment: This sequence change replaces isoleucine, which is neutral and non-polar, with phenylalanine, which is neutral and non-polar, at codon 5057 of the USH2A protein (p.Ile5057Phe). This variant is present in population databases (rs542341955, gnomAD 0.05%). This variant has not been reported in the literature in individuals affected with USH2A-related conditions. ClinVar contains an entry for this variant (Variation ID: 1312600). Algorithms developed to predict the effect of missense changes on protein structure and function are either unavailable or do not agree on the potential impact of this missense change (SIFT: "Deleterious"; PolyPhen-2: "Probably Damaging"; Align-GVGD: "Class C0"). In summary, the available evidence is currently insufficient to determine the role of this variant in disease. Therefore, it has been classified as a Variant of Uncertain Significance.

NM_206933.4(USH2A):c.15169A>T (p.Ile5057Phe)

Gene: USH2A (usherin; minus strand). Cytogenetic location: 1q41.
Variant type: single nucleotide variant.
Coding change: c.15169A>T on transcript NM_206933.4 (MANE Select); coding-DNA position 15169, A replaced by T.
Protein change: p.Ile5057Phe; replaces isoleucine 5057 with phenylalanine.
Molecular consequence: missense variant.
Genome position (GRCh38, 1-based): chr1:215,634,587, T>A on the plus strand (A>T on the coding strand, the complement: USH2A is on the minus strand). VCF-style: chr1-215634587-T-A. GRCh37 (hg19) VCF-style: chr1-215807929-T-A.
Other names: short protein forms I5057F.
Identifiers: ClinVar variation 1312600 (VCV001312600.5), dbSNP rs542341955, ClinGen allele CA1392772.